The following is an entry in ClinVar:

NM_001009944.3(PKD1):c.7101C>T (p.Ser2367=)

Gene: PKD1 (polycystin 1, transient receptor potential channel interacting; minus strand). Cytogenetic location: 16p13.3.
Variant type: single nucleotide variant.
Coding change: c.7101C>T on transcript NM_001009944.3 (MANE Select); coding-DNA position 7101, C replaced by T.
Protein change: p.Ser2367=; no amino-acid change (serine 2367 retained).
Molecular consequence: synonymous variant.
Genome position (GRCh38, 1-based): chr16:2,106,913, G>A on the plus strand (C>T on the coding strand, the complement: PKD1 is on the minus strand). VCF-style: chr16-2106913-G-A. GRCh37 (hg19) VCF-style: chr16-2156914-G-A.
Other names: c.7101C>T, p.Ser2367= (NM_000296.4).
Identifiers: ClinVar variation 2646006 (VCV002646006.24), dbSNP rs1157963640, ClinGen allele CA493046819.

ClinVar aggregate classification (germline): Likely benign (1 of 4 stars; one submission).

Allele frequency attached by ClinVar (database versions not stated): gnomAD exomes below 0.00001; TOPMed below 0.00001; gnomAD 0.00001.
gnomAD v4.1: 2 of 1,571,186 alleles (0.00013%); highest among the groups gnomAD compares: Non-Finnish European, 0.00017%; no homozygotes.

Submission:

CeGaT Center for Human Genetics Tuebingen
Classification: Likely benign. Last evaluated: 2023-03-01. Review status: criteria provided, single submitter. Criteria: CeGaT Center For Human Genetics Tuebingen Variant Classification Criteria Version 2. Collection method: clinical testing. Allele origin: germline. Affected: yes. Observed: 1 variant allele.
Comment: PKD1: BP4, BP7